The following is an entry in ClinVar:

ClinVar aggregate classification (germline): Uncertain significance. Review status: criteria provided, multiple submitters, no conflicts (2 of 4 stars). 2 submissions from 2 submitters: Uncertain significance (2). Last evaluated 2024-07-08.

Conditions:
Emery-Dreifuss muscular dystrophy 5, autosomal dominant (EDMD5). Also called: EMERY-DREIFUSS MUSCULAR DYSTROPHY 5. Identifiers: Orphanet 261, MedGen C2751805, MONDO:0013072, OMIM 612999.

gnomAD v4.1: 1 of 1,614,110 alleles (0.000062%); highest among the groups gnomAD compares: Non-Finnish European, 0.000085%; no homozygotes.

Submissions (2):

Labcorp Genetics (formerly Invitae), Labcorp
Classification: Uncertain significance for Emery-Dreifuss muscular dystrophy 5, autosomal dominant. Last evaluated: 2024-07-08. Review status: criteria provided, single submitter. Criteria: Invitae Variant Classification Sherloc (09022015). Collection method: clinical testing. Allele origin: germline.
Comment: This sequence change replaces arginine, which is basic and polar, with leucine, which is neutral and non-polar, at codon 5455 of the SYNE2 protein (p.Arg5455Leu). This variant is present in population databases (no rsID available, gnomAD 0.0009%). This variant has not been reported in the literature in individuals affected with SYNE2-related conditions. ClinVar contains an entry for this variant (Variation ID: 2436799). An algorithm developed to predict the effect of missense changes on protein structure and function (PolyPhen-2) suggests that this variant is likely to be disruptive. In summary, the available evidence is currently insufficient to determine the role of this variant in disease. Therefore, it has been classified as a Variant of Uncertain Significance.

Revvity Omics, Revvity
Classification: Uncertain significance for Emery-Dreifuss muscular dystrophy 5, autosomal dominant. Last evaluated: 2019-08-29. Review status: criteria provided, single submitter. Criteria: ACMG Guidelines, 2015. Collection method: clinical testing. Allele origin: germline.

NM_182914.3(SYNE2):c.16364G>T (p.Arg5455Leu)

Gene: SYNE2 (spectrin repeat containing nuclear envelope protein 2; plus strand). Cytogenetic location: 14q23.2.
Variant type: single nucleotide variant.
Coding change: c.16364G>T on transcript NM_182914.3 (MANE Select); coding-DNA position 16364, G replaced by T.
Protein change: p.Arg5455Leu; replaces arginine 5455 with leucine.
Molecular consequence: missense variant.
Genome position (GRCh38, 1-based): chr14:64,163,466, G>T. VCF-style: chr14-64163466-G-T. GRCh37 (hg19) VCF-style: chr14-64630184-G-T.
Other names: c.16364G>T, p.Arg5455Leu (NM_015180.6); short protein forms R5455L.
Identifiers: ClinVar variation 2436799 (VCV002436799.5), dbSNP rs1176640692, ClinGen allele CA389959893.